The following is an entry in ClinVar:

NM_000121.4(EPOR):c.1138C>G (p.Pro380Ala)

Gene: EPOR (erythropoietin receptor; minus strand). Cytogenetic location: 19p13.2.
Variant type: single nucleotide variant.
Coding change: c.1138C>G on transcript NM_000121.4 (MANE Select); coding-DNA position 1138, C replaced by G.
Protein change: p.Pro380Ala; replaces proline 380 with alanine.
Molecular consequence: missense variant. On other transcripts: non-coding transcript variant (1).
Genome position (GRCh38, 1-based): chr19:11,378,373, G>C on the plus strand (C>G on the coding strand, the complement: EPOR is on the minus strand). VCF-style: chr19-11378373-G-C. GRCh37 (hg19) VCF-style: chr19-11489049-G-C.
Other names: short protein forms P380A.
Identifiers: ClinVar variation 328143 (VCV000328143.17), dbSNP rs35423344, ClinGen allele CA9210559.

ClinVar aggregate classification (germline): Benign. Review status: criteria provided, multiple submitters, no conflicts (2 of 4 stars). 7 submissions from 7 submitters: Benign (6). 1 of the submissions does not count toward it. Last evaluated 2026-01-07.

Conditions:
EPOR-related disorder. Also called: EPOR-related condition.
Primary familial polycythemia due to EPO receptor mutation. Also called: ERYTHROCYTOSIS, SOMATIC; POLYCYTHEMIA, PRIMARY FAMILIAL AND CONGENITAL; Primary Familial Congenital Polycythemia; Erythrocytosis, familial, 1. Identifiers: Orphanet 90042, MedGen C4551637, MONDO:0007572, OMIM 133100.

Allele frequency attached by ClinVar (database versions not stated): gnomAD exomes 0.00552 and 0.01472; ExAC 0.01828; gnomAD 0.05756 and 0.06184; 1000 Genomes Project 0.06110; TOPMed 0.06494; ESP Exome Variant Server 0.06720; 1000 Genomes Project 30x 0.06839.
gnomAD v4.1: 17,236 of 1,613,328 alleles (1.1%); highest among the groups gnomAD compares: African/African-American, 20%; 1,522 homozygotes.

Submissions (7):

Labcorp Genetics (formerly Invitae), Labcorp
Classification: Benign. Last evaluated: 2026-01-07. Review status: criteria provided, single submitter. Criteria: Invitae Variant Classification Sherloc (09022015). Collection method: clinical testing. Allele origin: germline.

ARUP Laboratories, Molecular Genetics and Genomics, ARUP Laboratories
Classification: Benign for Primary familial polycythemia due to EPO receptor mutation. Last evaluated: 2025-05-15. Review status: criteria provided, single submitter. Criteria: ARUP Molecular Germline Variant Investigation Process 2024. Collection method: clinical testing. Allele origin: germline.

Mayo Clinic Laboratories, Mayo Clinic
Classification: Benign. Last evaluated: 2023-11-10. Review status: criteria provided, single submitter. Criteria: ACMG Guidelines, 2015. Collection method: clinical testing. Allele origin: germline. Observed: 12 variant alleles.

GeneDx
Classification: Benign. Last evaluated: 2021-06-09. Review status: criteria provided, single submitter. Criteria: GeneDx Variant Classification Process June 2021. Collection method: clinical testing. Allele origin: germline. Affected: yes.

Illumina Laboratory Services, Illumina
Classification: Benign for Primary familial polycythemia due to EPO receptor mutation. Last evaluated: 2018-01-12. Review status: criteria provided, single submitter. Criteria: ICSL Variant Classification Criteria 13 December 2019. Collection method: clinical testing. Allele origin: germline.
Comment: This variant was observed in the ICSL laboratory as part of a predisposition screen in an ostensibly healthy population. It had not been previously curated by ICSL or reported in the Human Gene Mutation Database (HGMD: prior to June 1st, 2018), and was therefore a candidate for classification through an automated scoring system. Utilizing variant allele frequency, disease prevalence and penetrance estimates, and inheritance mode, an automated score was calculated to assess if this variant is too frequent to cause the disease. Based on the score and internal cut-off values, a variant classified as benign is not then subjected to further curation. The score for this variant resulted in a classification of benign for this disease.

Breakthrough Genomics
Classification: Benign. Review status: criteria provided, single submitter. Criteria: ACMG Guidelines, 2015. Collection method: not provided. Allele origin: germline. Inheritance: Autosomal dominant inheritance. Affected: yes.

PreventionGenetics, part of Exact Sciences
Classification: Benign for EPOR-related condition. Last evaluated: 2019-03-22. Review status: no assertion criteria provided. Collection method: clinical testing. Allele origin: germline. Not counted in ClinVar's aggregate classification.
Comment: This variant is classified as benign based on ACMG/AMP sequence variant interpretation guidelines (Richards et al. 2015 PMID: 25741868, with internal and published modifications).